The following is an entry in ClinVar:

NM_000038.6(APC):c.220+3A>T

Gene: APC (APC regulator of Wnt signaling pathway; plus strand). Cytogenetic location: 5q22.2.
Variant type: single nucleotide variant.
Coding change: c.220+3A>T on transcript NM_000038.6 (MANE Select); 3 bases into the intron after coding-DNA position 220, A replaced by T.
Molecular consequence: intron variant.
Genome position (GRCh38, 1-based): chr5:112,766,413, A>T. VCF-style: chr5-112766413-A-T. GRCh37 (hg19) VCF-style: chr5-112102110-A-T.
Other names: c.-816+3A>T (NM_001407470.1, NM_001407472.1, NM_001354906.2 and 1 more transcripts); c.220+3A>T (NM_001407447.1, NM_001354895.2, NM_001407456.1 and 16 more transcripts); c.250+3A>T (NM_001407446.1, NM_001354897.2, NM_001354902.2 and 1 more transcripts); c.43+3A>T (NM_001407453.1, NM_001354900.2, NM_001354901.2 and 1 more transcripts); c.145+3A>T (NM_001407451.1, NM_001354898.2, NM_001354904.2).
Identifiers: ClinVar variation 2704632 (VCV002704632.3), dbSNP rs1554069573, ClinGen allele CA2517216016.

ClinVar aggregate classification (germline): Uncertain significance (1 of 4 stars; one submission).

Conditions:
Familial adenomatous polyposis 1 (FAP1). Also called: POLYPOSIS, ADENOMATOUS INTESTINAL; FAMILIAL ADENOMATOUS POLYPOSIS 1, ATTENUATED. Identifiers: MedGen C2713442, MONDO:0021056, OMIM 175100. Disease mechanism: loss of function.

Submission:

Labcorp Genetics (formerly Invitae), Labcorp
Classification: Uncertain significance for Familial adenomatous polyposis 1. Last evaluated: 2023-12-21. Review status: criteria provided, single submitter. Criteria: Invitae Variant Classification Sherloc (09022015). Collection method: clinical testing. Allele origin: germline.
Comment: This sequence change falls in intron 3 of the APC gene. It does not directly change the encoded amino acid sequence of the APC protein. It affects a nucleotide within the consensus splice site. This variant is not present in population databases (gnomAD no frequency). This variant has not been reported in the literature in individuals affected with APC-related conditions. Variants that disrupt the consensus splice site are a relatively common cause of aberrant splicing (PMID: 17576681, 9536098). Algorithms developed to predict the effect of sequence changes on RNA splicing suggest that this variant may disrupt the consensus splice site. In summary, the available evidence is currently insufficient to determine the role of this variant in disease. Therefore, it has been classified as a Variant of Uncertain Significance.

Literature cited by the submitters: PubMed 17576681; PubMed 9536098.